The following is an entry in ClinVar:

ClinVar aggregate classification (germline): Conflicting classifications of pathogenicity. Review status: criteria provided, conflicting classifications (1 of 4 stars). 2 submissions from 2 submitters: Uncertain significance (1); Likely benign (1). Last evaluated 2026-01-02.

Conditions:
Hereditary cancer-predisposing syndrome. Also called: Tumor predisposition; Hereditary Cancer Syndrome; Hereditary neoplastic syndrome; Neoplastic Syndromes, Hereditary. Identifiers: Orphanet 140162, MedGen C0027672, MeSH D009386, MONDO:0015356.
Renal cell carcinoma. Identifiers: Orphanet 217071, MedGen C0007134, MeSH D002292, MONDO:0005086, HP:0005584.

Allele frequency attached by ClinVar (database versions not stated): gnomAD exomes 0.00002.
gnomAD v4.1: 34 of 1,614,050 alleles (0.0021%); highest among the groups gnomAD compares: Non-Finnish European, 0.0029%; no homozygotes.

Submissions (2):

Labcorp Genetics (formerly Invitae), Labcorp
Classification: Uncertain significance for Renal cell carcinoma. Last evaluated: 2026-01-02. Review status: criteria provided, single submitter. Criteria: Invitae Variant Classification Sherloc (09022015). Collection method: clinical testing. Allele origin: germline.
Comment: This sequence change replaces valine, which is neutral and non-polar, with methionine, which is neutral and non-polar, at codon 89 of the MET protein (p.Val89Met). This variant is not present in population databases (gnomAD no frequency). This variant has not been reported in the literature in individuals affected with MET-related conditions. ClinVar contains an entry for this variant (Variation ID: 411919). Invitae Evidence Modeling of protein sequence and biophysical properties (such as structural, functional, and spatial information, amino acid conservation, physicochemical variation, residue mobility, and thermodynamic stability) indicates that this missense variant is not expected to disrupt MET protein function with a negative predictive value of 80%. In summary, the available evidence is currently insufficient to determine the role of this variant in disease. Therefore, it has been classified as a Variant of Uncertain Significance.

Ambry Genetics
Classification: Likely benign for Hereditary cancer-predisposing syndrome. Last evaluated: 2025-02-10. Review status: criteria provided, single submitter. Criteria: Ambry Variant Classification Scheme 2023. Collection method: clinical testing. Allele origin: germline.

NM_000245.4(MET):c.265G>A (p.Val89Met)

Gene: MET (MET proto-oncogene, receptor tyrosine kinase; plus strand). Cytogenetic location: 7q31.2.
Variant type: single nucleotide variant.
Coding change: c.265G>A on transcript NM_000245.4 (MANE Select); coding-DNA position 265, G replaced by A.
Protein change: p.Val89Met; replaces valine 89 with methionine.
Molecular consequence: missense variant. On other transcripts: intron variant (1).
Genome position (GRCh38, 1-based): chr7:116,699,349, G>A. VCF-style: chr7-116699349-G-A. GRCh37 (hg19) VCF-style: chr7-116339403-G-A.
Other names: c.265G>A, p.Val89Met (NM_001127500.3, NM_001324401.3); c.-91+26772G>A (NM_001324402.2); short protein forms V89M.
Identifiers: ClinVar variation 411919 (VCV000411919.14), dbSNP rs1060503544, ClinGen allele CA16612134.